The following is an entry in ClinVar:

NM_006662.3(SRCAP):c.131G>A (p.Gly44Asp)

Gene: SRCAP (Snf2 related CREBBP activator protein; plus strand). Cytogenetic location: 16p11.2.
Variant type: single nucleotide variant.
Coding change: c.131G>A on transcript NM_006662.3 (MANE Select); coding-DNA position 131, G replaced by A.
Protein change: p.Gly44Asp; replaces glycine 44 with aspartic acid.
Molecular consequence: missense variant.
Genome position (GRCh38, 1-based): chr16:30,704,140, G>A. VCF-style: chr16-30704140-G-A. GRCh37 (hg19) VCF-style: chr16-30715461-G-A.
Other names: short protein forms G44D.
Identifiers: ClinVar variation 3253178 (VCV003253178.2), dbSNP rs2052800035.

ClinVar aggregate classification (germline): Uncertain significance (1 of 4 stars; one submission).

Allele frequency attached by ClinVar (database versions not stated): TOPMed below 0.00001.

Submission:

GeneDx
Classification: Uncertain significance. Last evaluated: 2026-01-13. Review status: criteria provided, single submitter. Criteria: GeneDx Variant Classification Process June 2021. Collection method: clinical testing. Allele origin: germline.
Comment: Not observed at significant frequency in large population cohorts (gnomAD); In silico analysis supports that this missense variant has a deleterious effect on protein structure/function; Has not been previously published as pathogenic or benign to our knowledge